The following is an entry in ClinVar:

ClinVar aggregate classification (germline): Uncertain significance (1 of 4 stars; one submission).

Conditions:
SOX9-related disorder. Also called: SOX9-related condition.

Submission:

PreventionGenetics, part of Exact Sciences
Classification: Uncertain significance for SOX9-related condition. Last evaluated: 2023-03-28. Review status: criteria provided, single submitter. Criteria: ACMG Guidelines, 2015. Collection method: clinical testing. Allele origin: germline.
Comment: The SOX9 c.1065_1082del18 variant is predicted to result in an in-frame deletion (p.Pro359_Ala364del). To our knowledge, this variant has not been reported in the literature or in a large population database, indicating this variant is rare. At this time, the clinical significance of this variant is uncertain due to the absence of conclusive functional and genetic evidence.

NM_000346.4(SOX9):c.1065_1082del (p.Pro359_Ala364del)

Gene: SOX9 (SRY-box transcription factor 9; plus strand). Cytogenetic location: 17q24.3.
Variant type: Deletion.
Coding change: c.1065_1082del on transcript NM_000346.4 (MANE Select); coding-DNA positions 1065 to 1082, 18 bases deleted (CCCGCAGGCGCCCCCGCA).
Protein change: p.Pro359_Ala364del.
Molecular consequence: inframe deletion.
Genome position (GRCh38, 1-based): chr17:72,123,922-72,123,939, CCCGCAGGCGCCCCCGCA deleted. VCF-style (leftmost placement, unchanged base first): chr17-72123921-CCCCGCAGGCGCCCCCGCA-C. GRCh37 (hg19) VCF-style: chr17-70120062-CCCCGCAGGCGCCCCCGCA-C.
Identifiers: ClinVar variation 2633350 (VCV002633350.1), dbSNP rs764921846, ClinGen allele CA8739083.